The following is an entry in ClinVar:

NM_014239.4(EIF2B2):c.869C>T (p.Ala290Val)

Gene: EIF2B2 (eukaryotic translation initiation factor 2B subunit beta; plus strand). Cytogenetic location: 14q24.3.
Variant type: single nucleotide variant.
Coding change: c.869C>T on transcript NM_014239.4 (MANE Select); coding-DNA position 869, C replaced by T.
Protein change: p.Ala290Val; replaces alanine 290 with valine.
Molecular consequence: missense variant.
Genome position (GRCh38, 1-based): chr14:75,007,759, C>T. VCF-style: chr14-75007759-C-T. GRCh37 (hg19) VCF-style: chr14-75474462-C-T.
Other names: short protein forms A290V.
Identifiers: ClinVar variation 2118694 (VCV002118694.4), dbSNP rs1889648740, ClinGen allele CA390429702.

ClinVar aggregate classification (germline): Uncertain significance (1 of 4 stars; one submission).

Allele frequency attached by ClinVar (database versions not stated): gnomAD exomes below 0.00001; gnomAD 0.00001.
gnomAD v4.1: 2 of 1,613,832 alleles (0.00012%); highest among the groups gnomAD compares: Admixed American, 0.0017%; no homozygotes.

Submission:

Labcorp Genetics (formerly Invitae), Labcorp
Classification: Uncertain significance. Last evaluated: 2024-11-11. Review status: criteria provided, single submitter. Criteria: Invitae Variant Classification Sherloc (09022015). Collection method: clinical testing. Allele origin: germline.
Comment: This sequence change replaces alanine, which is neutral and non-polar, with valine, which is neutral and non-polar, at codon 290 of the EIF2B2 protein (p.Ala290Val). This variant is not present in population databases (gnomAD no frequency). This variant has not been reported in the literature in individuals affected with EIF2B2-related conditions. ClinVar contains an entry for this variant (Variation ID: 2118694). Invitae Evidence Modeling of protein sequence and biophysical properties (such as structural, functional, and spatial information, amino acid conservation, physicochemical variation, residue mobility, and thermodynamic stability) indicates that this missense variant is not expected to disrupt EIF2B2 protein function with a negative predictive value of 80%. In summary, the available evidence is currently insufficient to determine the role of this variant in disease. Therefore, it has been classified as a Variant of Uncertain Significance.